The following is an entry in ClinVar:

NM_000065.5(C6):c.1635T>C (p.Ser545=)

Gene: C6 (complement C6; minus strand). Cytogenetic location: 5p13.1.
Variant type: single nucleotide variant.
Coding change: c.1635T>C on transcript NM_000065.5 (MANE Select); coding-DNA position 1635, T replaced by C.
Protein change: p.Ser545=; no amino-acid change (serine 545 retained).
Molecular consequence: synonymous variant.
Genome position (GRCh38, 1-based): chr5:41,160,191, A>G on the plus strand (T>C on the coding strand, the complement: C6 is on the minus strand). VCF-style: chr5-41160191-A-G. GRCh37 (hg19) VCF-style: chr5-41160293-A-G.
Other names: c.1635T>C (NM_000065.3); c.1635T>C, p.Ser545= (NM_001115131.4).
Identifiers: ClinVar variation 1170885 (VCV001170885.13), dbSNP rs62361567, ClinGen allele CA3252399.
Genomic context (GRCh38, chr5:41,160,191, plus strand): 5'-CTGATACTTACTGGATTTATAATCTGGAGACTGTTTCTCACAGTTCTCACCATAGGTGCC[A>G]CTCTGACACACACACAGACATTCAGTCCCTGAGAGGGTGGGTCGGCCATTATTAGGGCAT-3'
Protein context (NP_000056.2, residues 535-555): SGTECLCVCQ[Ser545=]GTYGENCEKQ

ClinVar aggregate classification (germline): Benign. Review status: criteria provided, multiple submitters, no conflicts (2 of 4 stars). 4 submissions from 4 submitters: Benign (3). 1 of the submissions does not count toward it. Last evaluated 2026-02-03.

Conditions:
C6-related disorder. Also called: C6-related condition.

Allele frequency attached by ClinVar (database versions not stated): 1000 Genomes Project 0.01118; 1000 Genomes Project 30x 0.01296; ExAC 0.02158; gnomAD exomes 0.02176; gnomAD 0.02306 and 0.02366; TOPMed 0.02331; ESP Exome Variant Server 0.02476.
gnomAD v4.1: 52,018 of 1,613,748 alleles (3.2%); highest among the groups gnomAD compares: Non-Finnish European, 3.9%; 1,015 homozygotes.

Submissions (4):

Labcorp Genetics (formerly Invitae), Labcorp
Classification: Benign. Last evaluated: 2026-02-03. Review status: criteria provided, single submitter. Criteria: Invitae Variant Classification Sherloc (09022015). Collection method: clinical testing. Allele origin: germline.

Women's Health and Genetics/Laboratory Corporation of America, LabCorp
Classification: Benign. Last evaluated: 2026-01-22. Review status: criteria provided, single submitter. Criteria: LabCorp Variant Classification Summary - May 2015. Collection method: clinical testing. Allele origin: germline.

Breakthrough Genomics
Classification: Benign. Review status: criteria provided, single submitter. Criteria: ACMG Guidelines, 2015. Collection method: not provided. Allele origin: germline. Inheritance: Autosomal recessive inheritance. Affected: yes.

PreventionGenetics, part of Exact Sciences
Classification: Likely benign for C6-related condition. Last evaluated: 2023-05-16. Review status: no assertion criteria provided. Collection method: clinical testing. Allele origin: germline. Not counted in ClinVar's aggregate classification.
Comment: This variant is classified as likely benign based on ACMG/AMP sequence variant interpretation guidelines (Richards et al. 2015 PMID: 25741868, with internal and published modifications).